The following is an entry in ClinVar:

NM_001127898.4(CLCN5):c.1376T>C (p.Phe459Ser)

Gene: CLCN5 (Cl-/H+ antiporter 5; plus strand). Cytogenetic location: Xp11.23.
Variant type: single nucleotide variant.
Coding change: c.1376T>C on transcript NM_001127898.4 (MANE Select); coding-DNA position 1376, T replaced by C.
Protein change: p.Phe459Ser; replaces phenylalanine 459 with serine.
Molecular consequence: missense variant. On other transcripts: non-coding transcript variant (1).
Genome position (GRCh38, 1-based): chrX:50,086,689, T>C. VCF-style: chrX-50086689-T-C. GRCh37 (hg19) VCF-style: chrX-49851346-T-C.
Other names: c.1166T>C, p.Phe389Ser (NM_000084.5); c.1376T>C, p.Phe459Ser (NM_001127899.4); c.1226T>C, p.Phe409Ser (NM_001282163.2); c.1388T>C, p.Phe463Ser (NM_001440756.1, NM_001440757.1); short protein forms F389S, F409S, F459S, F463S.
Identifiers: ClinVar variation 5038222 (VCV005038222.1).

ClinVar aggregate classification (germline): Likely pathogenic (1 of 4 stars; one submission).

Conditions:
Dent disease type 1 (DENT1). Also called: NEPHROLITHIASIS 2; NEPHROLITHIASIS, HYPERCALCIURIC, X-LINKED. Identifiers: Orphanet 1652, Orphanet 93622, MedGen C1848336, MONDO:0010225, OMIM 300009.

Submission:

MVZ Medizinische Genetik Mainz
Classification: Likely pathogenic for Dent disease type 1. Last evaluated: 2026-09-21. Review status: criteria provided, single submitter. Criteria: UK Practice Guidelines For Variant Classification V4 01 2020. Collection method: clinical testing. Allele origin: germline. Inheritance: X-linked dominant inheritance. Affected: yes. Observed: 1 variant allele.
Comment: ACMG Criteria: PP3_STR,PM2_SUP,PP4